The following is an entry in ClinVar:

NM_018668.5(VPS33B):c.1199T>G (p.Met400Arg)

Gene: VPS33B (VPS33B late endosome and lysosome associated; minus strand). Cytogenetic location: 15q26.1.
Variant type: single nucleotide variant.
Coding change: c.1199T>G on transcript NM_018668.5 (MANE Select); coding-DNA position 1199, T replaced by G.
Protein change: p.Met400Arg; replaces methionine 400 with arginine.
Molecular consequence: missense variant.
Genome position (GRCh38, 1-based): chr15:91,004,903, A>C on the plus strand (T>G on the coding strand, the complement: VPS33B is on the minus strand). VCF-style: chr15-91004903-A-C. GRCh37 (hg19) VCF-style: chr15-91548133-A-C.
Other names: c.1118T>G, p.Met373Arg (NM_001289148.1); c.926T>G, p.Met309Arg (NM_001289149.1); short protein forms M400R, M373R, M309R.
Identifiers: ClinVar variation 4999977 (VCV004999977.1).
Genomic context (GRCh38, chr15:91,004,903, plus strand): 5'-TCTGACATTCTCATCTTCAGTCTTTTGGGCTCACCATTCTCAGTGATGGACAAAAGGCAC[A>C]TGAGGCGCAGGCTTTCTATAGGCGACACCTGCATAGGAAGAAAGAATCAAGGAGAATTGA-3'
Protein context (NP_061138.3, residues 390-410): QVSPIESLRL[Met400Arg]CLLSITENGL

ClinVar aggregate classification (germline): Uncertain significance (1 of 4 stars; one submission).

Conditions:
VPS33B-related disorder. Also called: VPS33B-related condition.

Submission:

PreventionGenetics, part of Exact Sciences
Classification: Uncertain significance for VPS33B-related condition. Last evaluated: 2024-11-21. Review status: criteria provided, single submitter. Criteria: ACMG Guidelines, 2015. Collection method: clinical testing. Allele origin: germline.
Comment: The VPS33B c.1199T>G variant is predicted to result in the amino acid substitution p.Met400Arg. To our knowledge, this variant has not been reported in the literature or in a large population database (gnomAD), indicating this variant is rare. At this time, the clinical significance of this variant is uncertain due to the absence of conclusive functional and genetic evidence.